The following is an entry in ClinVar:

NM_000090.4(COL3A1):c.322A>G (p.Lys108Glu)

Gene: COL3A1 (collagen type III alpha 1 chain; plus strand). Cytogenetic location: 2q32.2.
Variant type: single nucleotide variant.
Coding change: c.322A>G on transcript NM_000090.4 (MANE Select); coding-DNA position 322, A replaced by G.
Protein change: p.Lys108Glu; replaces lysine 108 with glutamic acid.
Molecular consequence: missense variant.
Genome position (GRCh38, 1-based): chr2:188,985,236, A>G. VCF-style: chr2-188985236-A-G. GRCh37 (hg19) VCF-style: chr2-189849962-A-G.
Other names: short protein forms K108E.
Identifiers: ClinVar variation 3072512 (VCV003072512.1), dbSNP rs2469107207, ClinGen allele CA349847615.
Genomic context (GRCh38, chr2:188,985,236, plus strand): 5'-TGTTTCTTTTCCATTTATTAGCCTACTCGCCCTCCTAATGGTCAAGGACCTCAAGGCCCC[A>G]AGGGAGATCCAGTAAGTAAACATTCTTCAGTAGAATAAAATTAATACTAATGATAATTCT-3'
Protein context (NP_000081.2, residues 98-118): PPNGQGPQGP[Lys108Glu]GDPGPPGIPG

ClinVar aggregate classification (germline): Uncertain significance (1 of 4 stars; one submission).

Conditions:
Ehlers-Danlos syndrome, type 4 (EDSVASC). Also called: Ehlers-Danlos Syndrome Type IV; Ehlers-Danlos syndrome vascular type; Ehlers Danlos syndrome, ecchymotic type; Ehlers Danlos syndrome, arterial type; Ehlers Danlos syndrome, Sack-Barabas type. Identifiers: Orphanet 286, MedGen C0268338, MONDO:0017314, OMIM 130050.

Allele frequency attached by ClinVar (database versions not stated): gnomAD exomes below 0.00001.
gnomAD v4.1: 1 of 1,611,244 alleles (0.000062%); highest among the groups gnomAD compares: South Asian, 0.0011%; no homozygotes.

Submission:

All of Us Research Program, National Institutes of Health
Classification: Uncertain significance for Ehlers-Danlos syndrome, type 4. Last evaluated: 2023-08-15. Review status: criteria provided, single submitter. Criteria: ACMG Guidelines, 2015. Collection method: clinical testing. Allele origin: germline. Inheritance: Autosomal dominant inheritance. Observed: 1 variant allele, 1 heterozygote.
Comment: This study involves interpretation of variants in research participants for the purpose of population health screening. Participant phenotype was not available at the time of variant classification. Additional details can be found in publication PMID: 35346344, PMCID: PMC8962531